The following is an entry in ClinVar:

NM_001267550.2(TTN):c.58581G>A (p.Trp19527Ter)

Genes: TTN (titin; minus strand), TTN-AS1 (TTN antisense RNA 1; plus strand). Cytogenetic location: 2q31.2.
Variant type: single nucleotide variant.
Coding change: c.58581G>A on transcript NM_001267550.2 (MANE Select); coding-DNA position 58581, G replaced by A.
Protein change: p.Trp19527Ter; replaces tryptophan 19527 with a stop codon.
Molecular consequence: nonsense.
Genome position (GRCh38, 1-based): chr2:178,593,719, C>T on the plus strand (G>A on the coding strand, the complement: TTN is on the minus strand). VCF-style: chr2-178593719-C-T. GRCh37 (hg19) VCF-style: chr2-179458446-C-T.
Other names: c.53658G>A, p.Trp17886Ter (NM_001256850.1); c.31386G>A, p.Trp10462Ter (NM_003319.4); c.50877G>A, p.Trp16959Ter (NM_133378.4); c.31761G>A, p.Trp10587Ter (NM_133432.3); c.31962G>A, p.Trp10654Ter (NM_133437.4); short protein forms W10587*, W19527*, W10462*, W10654*, W16959*, W17886*.
Identifiers: ClinVar variation 1509085 (VCV001509085.8), dbSNP rs2154186640, ClinGen allele CA349504290.

ClinVar aggregate classification (germline): Pathogenic/Likely pathogenic. Review status: criteria provided, multiple submitters, no conflicts (2 of 4 stars). 2 submissions from 2 submitters: Pathogenic (1); Likely pathogenic (1). Last evaluated 2024-03-12.

Conditions:
Cardiovascular phenotype. Identifiers: MedGen CN230736.
Dilated cardiomyopathy 1G (CMD1G). Identifiers: Orphanet 154, MedGen C1858763, MONDO:0011400, OMIM 604145.
Autosomal recessive limb-girdle muscular dystrophy type 2J (LGMDR10). Also called: Limb-girdle muscular dystrophy, type 2J; MUSCULAR DYSTROPHY, LIMB-GIRDLE, AUTOSOMAL RECESSIVE 10. Identifiers: Orphanet 140922, MedGen C1837342, MONDO:0012127, OMIM 608807.

Submissions (2):

Labcorp Genetics (formerly Invitae), Labcorp
Classification: Likely pathogenic for Dilated cardiomyopathy 1G; Autosomal recessive limb-girdle muscular dystrophy type 2J. Last evaluated: 2024-03-12. Review status: criteria provided, single submitter. Criteria: Invitae Variant Classification Sherloc (09022015). Collection method: clinical testing. Allele origin: germline.
Comment: This sequence change creates a premature translational stop signal (p.Trp19527*) in the TTN gene. While this is not anticipated to result in nonsense mediated decay, it is expected to create a truncated TTN protein. This variant is not present in population databases (gnomAD no frequency). This premature translational stop signal has been observed in individual(s) with dilated cardiomyopathy (PMID: 31983221). ClinVar contains an entry for this variant (Variation ID: 1509085). This variant is located in the A band of TTN (PMID: 25589632). Truncating variants in this region are significantly overrepresented in patients affected with dilated cardiomyopathy (PMID: 25589632). Truncating variants in this region have also been reported in individuals affected with autosomal recessive centronuclear myopathy (PMID: 23975875). In summary, the currently available evidence indicates that the variant is pathogenic, but additional data are needed to prove that conclusively. Therefore, this variant has been classified as Likely Pathogenic.

Ambry Genetics
Classification: Pathogenic for Cardiovascular phenotype. Last evaluated: 2022-09-26. Review status: criteria provided, single submitter. Criteria: Ambry Variant Classification Scheme 2023. Collection method: clinical testing. Allele origin: germline.
Comment: The p.W10462* pathogenic mutation (also known as c.31386G>A), located in coding exon 125 of the TTN gene, results from a G to A substitution at nucleotide position 31386. This changes the amino acid from a tryptophan to a stop codon within coding exon 125. This exon is located in the A-band region of the N2-B isoform of the titin protein and is constitutively expressed in TTN transcripts (percent spliced in or PSI 100%). This variant has been detected in a dilated cardiomyopathy (DCM) cohort (Mazzarotto F et al. Circulation, 2020 02;141:387-398). This variant is considered to be rare based on population cohorts in the Genome Aggregation Database (gnomAD). This alteration is expected to result in loss of function by premature protein truncation or nonsense-mediated mRNA decay. While truncating variants in TTN are present in 1-3% of the general population, truncating variants in the A-band are the most common cause of DCM (Herman DS et al. N. Engl. J. Med., 2012 Feb;366:619-28; Roberts AM et al. Sci Transl Med, 2015 Jan;7:270ra6). TTN truncating variants encoded in constitutive exons (PSI >90%) have been found to be significantly associated with DCM regardless of their position in titin (Schafer S et al. Nat. Genet., 2017 01;49:46-53). Based on the supporting evidence, this alteration is interpreted as a disease-causing mutation.

Literature cited by the submitters: PubMed 31983221 (cited by Labcorp Genetics (formerly Invitae), Labcorp and Ambry Genetics); PubMed 25589632 (cited by Labcorp Genetics (formerly Invitae), Labcorp); PubMed 23975875 (cited by Labcorp Genetics (formerly Invitae), Labcorp).